The following is an entry in ClinVar:

ClinVar aggregate classification (germline): Uncertain significance. Review status: criteria provided, multiple submitters, no conflicts (2 of 4 stars). 4 submissions from 4 submitters: Uncertain significance (4). Last evaluated 2024-07-09.

Conditions:
Retinitis pigmentosa 62 (RP62). Identifiers: Orphanet 791, MedGen C3280042, MONDO:0013611, OMIM 614181.
Inborn genetic diseases. Identifiers: MedGen C0950123, MeSH D030342.

Allele frequency attached by ClinVar (database versions not stated): ExAC 0.00012; gnomAD exomes 0.00012 and 0.00015; TOPMed 0.00016; gnomAD 0.00019; ESP Exome Variant Server 0.00023.
gnomAD v4.1: 236 of 1,563,940 alleles (0.015%); highest among the groups gnomAD compares: Admixed American, 0.018%; no homozygotes.

Submissions (4):

Blueprint Genetics
Classification: Uncertain significance. Last evaluated: 2024-07-09. Review status: criteria provided, single submitter. Criteria: ACMG Guidelines, 2015. Collection method: clinical testing. Allele origin: germline.

Labcorp Genetics (formerly Invitae), Labcorp
Classification: Uncertain significance. Last evaluated: 2022-10-04. Review status: criteria provided, single submitter. Criteria: Invitae Variant Classification Sherloc (09022015). Collection method: clinical testing. Allele origin: germline.
Comment: This sequence change replaces histidine, which is basic and polar, with arginine, which is basic and polar, at codon 119 of the MAK protein (p.His119Arg). This variant is present in population databases (rs200506656, gnomAD 0.03%). This variant has not been reported in the literature in individuals affected with MAK-related conditions. ClinVar contains an entry for this variant (Variation ID: 1034659). Experimental studies and prediction algorithms are not available or were not evaluated, and the functional significance of this variant is currently unknown. In summary, the available evidence is currently insufficient to determine the role of this variant in disease. Therefore, it has been classified as a Variant of Uncertain Significance.

Ambry Genetics
Classification: Uncertain significance for Inborn genetic diseases. Last evaluated: 2022-03-22. Review status: criteria provided, single submitter. Criteria: Ambry Variant Classification Scheme 2023. Collection method: clinical testing. Allele origin: germline.

Fulgent Genetics
Classification: Uncertain significance for Retinitis pigmentosa 62. Last evaluated: 2021-09-01. Review status: criteria provided, single submitter. Criteria: ACMG Guidelines, 2015. Collection method: clinical testing. Allele origin: unknown.

NM_001242957.3(MAK):c.356A>G (p.His119Arg)

Gene: MAK (male germ cell associated kinase; minus strand). Cytogenetic location: 6p24.2.
Variant type: single nucleotide variant.
Coding change: c.356A>G on transcript NM_001242957.3 (MANE Select); coding-DNA position 356, A replaced by G.
Protein change: p.His119Arg; replaces histidine 119 with arginine.
Molecular consequence: missense variant. On other transcripts: non-coding transcript variant (2).
Genome position (GRCh38, 1-based): chr6:10,813,646, T>C on the plus strand (A>G on the coding strand, the complement: MAK is on the minus strand). VCF-style: chr6-10813646-T-C. GRCh37 (hg19) VCF-style: chr6-10813879-T-C.
Other names: c.356A>G, p.His119Arg (NM_001242385.2, NM_005906.6); c.254A>G, p.His85Arg (NM_001377262.1); c.356A>G (NM_005906.4); short protein forms H119R, H85R.
Identifiers: ClinVar variation 1034659 (VCV001034659.9), dbSNP rs200506656, ClinGen allele CA3633754.